The following is an entry in ClinVar:

ClinVar aggregate classification (germline): Uncertain significance. Review status: criteria provided, multiple submitters, no conflicts (2 of 4 stars). 2 submissions from 2 submitters: Uncertain significance (2). Last evaluated 2024-10-21.

Conditions:
Hereditary cancer-predisposing syndrome. Also called: Hereditary Cancer Syndrome; Neoplastic Syndromes, Hereditary; Tumor predisposition; Hereditary neoplastic syndrome. Identifiers: Orphanet 140162, MedGen C0027672, MeSH D009386, MONDO:0015356.
Familial cancer of breast. Also called: Hereditary breast cancer; BREAST CANCER, FAMILIAL; hereditary breast carcinoma. Identifiers: Orphanet 227535, MedGen C0346153, MONDO:0016419, OMIM 114480. Disease mechanism: loss of function.

Allele frequency attached by ClinVar (database versions not stated): gnomAD exomes below 0.00001.
gnomAD v4.1: 2 of 1,541,456 alleles (0.00013%); highest among the groups gnomAD compares: Non-Finnish European, 0.00018%; no homozygotes.

Submissions (2):

Labcorp Genetics (formerly Invitae), Labcorp
Classification: Uncertain significance for Familial cancer of breast. Last evaluated: 2024-10-21. Review status: criteria provided, single submitter. Criteria: Invitae Variant Classification Sherloc (09022015). Collection method: clinical testing. Allele origin: germline.
Comment: This sequence change replaces proline, which is neutral and non-polar, with serine, which is neutral and polar, at codon 360 of the BARD1 protein (p.Pro360Ser). This variant is present in population databases (no rsID available, gnomAD 0.0009%). This variant has not been reported in the literature in individuals affected with BARD1-related conditions. ClinVar contains an entry for this variant (Variation ID: 489650). An algorithm developed to predict the effect of missense changes on protein structure and function (PolyPhen-2) suggests that this variant is likely to be tolerated. In summary, the available evidence is currently insufficient to determine the role of this variant in disease. Therefore, it has been classified as a Variant of Uncertain Significance.

Color Diagnostics, LLC DBA Color Health
Classification: Uncertain significance for Hereditary cancer-predisposing syndrome. Last evaluated: 2023-12-05. Review status: criteria provided, single submitter. Criteria: ACMG Guidelines, 2015. Collection method: clinical testing. Allele origin: germline.
Comment: This missense variant replaces proline with serine at codon 360 of the BARD1 protein. Computational prediction suggests that this variant may not impact protein structure and function (internally defined REVEL score threshold <= 0.5, PMID: 27666373). To our knowledge, functional studies have not been reported for this variant. This variant has not been reported in individuals affected with BARD1-related disorders in the literature. This variant has been identified in 1/251294 chromosomes in the general population by the Genome Aggregation Database (gnomAD). The available evidence is insufficient to determine the role of this variant in disease conclusively. Therefore, this variant is classified as a Variant of Uncertain Significance.

NM_000465.4(BARD1):c.1078C>T (p.Pro360Ser)

Gene: BARD1 (BRCA1 associated RING domain 1; minus strand). Cytogenetic location: 2q35.
Variant type: single nucleotide variant.
Coding change: c.1078C>T on transcript NM_000465.4 (MANE Select); coding-DNA position 1078, C replaced by T.
Protein change: p.Pro360Ser; replaces proline 360 with serine.
Molecular consequence: missense variant. On other transcripts: non-coding transcript variant (2), intron variant (3).
Genome position (GRCh38, 1-based): chr2:214,780,796, G>A on the plus strand (C>T on the coding strand, the complement: BARD1 is on the minus strand). VCF-style: chr2-214780796-G-A. GRCh37 (hg19) VCF-style: chr2-215645520-G-A.
Other names: c.1021C>T, p.Pro341Ser (NM_001282543.2); c.159-28241C>T (NM_001282548.2); c.215+16265C>T (NM_001282545.2); c.364+11501C>T (NM_001282549.2); short protein forms P360S, P341S.
Identifiers: ClinVar variation 489650 (VCV000489650.17), dbSNP rs1210369014, ClinGen allele CA350454101.